The following is an entry in ClinVar:

ClinVar aggregate classification (germline): Uncertain significance (1 of 4 stars; one submission).

Submission:

Labcorp Genetics (formerly Invitae), Labcorp
Classification: Uncertain significance. Last evaluated: 2022-06-13. Review status: criteria provided, single submitter. Criteria: Invitae Variant Classification Sherloc (09022015). Collection method: clinical testing. Allele origin: germline.
Comment: In summary, the available evidence is currently insufficient to determine the role of this variant in disease. Therefore, it has been classified as a Variant of Uncertain Significance. Algorithms developed to predict the effect of missense changes on protein structure and function are either unavailable or do not agree on the potential impact of this missense change (SIFT: "Tolerated"; PolyPhen-2: "Not Available"; Align-GVGD: "Class C0"). This variant has not been reported in the literature in individuals affected with PTPN23-related conditions. This variant is not present in population databases (gnomAD no frequency). This sequence change replaces threonine, which is neutral and polar, with asparagine, which is neutral and polar, at codon 800 of the PTPN23 protein (p.Thr800Asn).

NM_015466.4(PTPN23):c.2399C>A (p.Thr800Asn)

Gene: PTPN23 (protein tyrosine phosphatase non-receptor type 23; plus strand). Cytogenetic location: 3p21.31.
Variant type: single nucleotide variant.
Coding change: c.2399C>A on transcript NM_015466.4 (MANE Select); coding-DNA position 2399, C replaced by A.
Protein change: p.Thr800Asn; replaces threonine 800 with asparagine.
Molecular consequence: missense variant.
Genome position (GRCh38, 1-based): chr3:47,410,197, C>A. VCF-style: chr3-47410197-C-A. GRCh37 (hg19) VCF-style: chr3-47451687-C-A.
Other names: c.2021C>A, p.Thr674Asn (NM_001304482.2); short protein forms T674N, T800N.
Identifiers: ClinVar variation 2005403 (VCV002005403.4), dbSNP rs2546249701, ClinGen allele CA352558693.
Genomic context (GRCh38, chr3:47,410,197, plus strand): 5'-CAGGCCCAGGACCCCACTATCTCTCAGGCCCCTTGCCCCCTGGTACCTACTCGGGCCCCA[C>A]CCAGCTGATACAGCCCAGGGCCCCAGGGCCCCATGCAATGCCCGTAGCACCTGGGCCTGC-3'
Protein context (NP_056281.1, residues 790-810): PLPPGTYSGP[Thr800Asn]QLIQPRAPGP